The following is an entry in ClinVar:

NM_033056.4(PCDH15):c.5584A>G (p.Met1862Val)

Gene: PCDH15 (protocadherin related 15; minus strand). Cytogenetic location: 10q21.1.
Variant type: single nucleotide variant.
Coding change: c.5584A>G on transcript NM_033056.4 (MANE Plus Clinical); coding-DNA position 5584, A replaced by G.
Protein change: p.Met1862Val; replaces methionine 1862 with valine.
Molecular consequence: missense variant. On other transcripts: intron variant (8).
Genome position (GRCh38, 1-based): chr10:53,822,142, T>C on the plus strand (A>G on the coding strand, the complement: PCDH15 is on the minus strand). VCF-style: chr10-53822142-T-C. GRCh37 (hg19) VCF-style: chr10-55581902-T-C.
Other names: c.5605A>G, p.Met1869Val (NM_001142763.2); c.5590A>G, p.Met1864Val (NM_001142764.2); c.5377A>G, p.Met1793Val (NM_001142765.2); c.5575A>G, p.Met1859Val (NM_001142766.2); c.5464A>G, p.Met1822Val (NM_001142767.2); c.5524A>G, p.Met1842Val (NM_001142768.2); c.5515A>G, p.Met1839Val (NM_001142773.2); c.5518A>G, p.Met1840Val (NM_001354404.2); and 7 more; short protein forms M1839V, M1859V, M1793V, M1822V, M1842V, M1840V, M1862V, M1864V.
Identifiers: ClinVar variation 1940417 (VCV001940417.2), dbSNP rs2076313467, ClinGen allele CA376524656.

ClinVar aggregate classification (germline): Uncertain significance (1 of 4 stars; one submission).

Allele frequency attached by ClinVar (database versions not stated): TOPMed below 0.00001; gnomAD 0.00001; gnomAD exomes below 0.00001.
gnomAD v4.1: 6 of 1,613,962 alleles (0.00037%); highest among the groups gnomAD compares: South Asian, 0.0022%; no homozygotes.

Submission:

Labcorp Genetics (formerly Invitae), Labcorp
Classification: Uncertain significance. Last evaluated: 2021-12-15. Review status: criteria provided, single submitter. Criteria: Invitae Variant Classification Sherloc (09022015). Collection method: clinical testing. Allele origin: germline.
Comment: This sequence change replaces methionine, which is neutral and non-polar, with valine, which is neutral and non-polar, at codon 1862 of the PCDH15 protein (p.Met1862Val). This variant is not present in population databases (gnomAD no frequency). This variant has not been reported in the literature in individuals affected with PCDH15-related conditions. Algorithms developed to predict the effect of missense changes on protein structure and function output the following: SIFT: "Tolerated"; PolyPhen-2: "Not Available"; Align-GVGD: "Class C0". The valine amino acid residue is found in multiple mammalian species, which suggests that this missense change does not adversely affect protein function. In summary, the available evidence is currently insufficient to determine the role of this variant in disease. Therefore, it has been classified as a Variant of Uncertain Significance.